The following is an entry in ClinVar:

ClinVar aggregate classification (germline): Uncertain significance (1 of 4 stars; one submission).

Conditions:
Amyotrophic lateral sclerosis 26 with or without frontotemporal dementia. Identifiers: MedGen C5436882, MONDO:0030885, OMIM 619133.

Submission:

Kariminejad - Najmabadi Pathology & Genetics Center
Classification: Uncertain significance for Amyotrophic lateral sclerosis 26 with or without frontotemporal dementia. Last evaluated: 2023-09-18. Review status: criteria provided, single submitter. Criteria: ACMG Guidelines, 2015. Collection method: clinical testing. Allele origin: germline. Inheritance: Autosomal dominant inheritance. Affected: yes.
Comment: PM2

NM_022173.4(TIA1):c.799G>A (p.Val267Ile)

Gene: TIA1 (TIA1 cytotoxic granule associated RNA binding protein; minus strand). Cytogenetic location: 2p13.3.
Variant type: single nucleotide variant.
Coding change: c.799G>A on transcript NM_022173.4 (MANE Select); coding-DNA position 799, G replaced by A.
Protein change: p.Val267Ile; replaces valine 267 with isoleucine.
Molecular consequence: missense variant. On other transcripts: non-coding transcript variant (17).
Genome position (GRCh38, 1-based): chr2:70,215,460, C>T on the plus strand (G>A on the coding strand, the complement: TIA1 is on the minus strand). VCF-style: chr2-70215460-C-T. GRCh37 (hg19) VCF-style: chr2-70442592-C-T.
Other names: c.799G>A, p.Val267Ile (NM_001351508.2); c.772G>A, p.Val258Ile (NM_001351509.2); c.766G>A, p.Val256Ile (NM_001351510.2, NM_022037.4); c.688G>A, p.Val230Ile (NM_001351511.1); c.661G>A, p.Val221Ile (NM_001351512.1); c.655G>A, p.Val219Ile (NM_001351513.1); c.571G>A, p.Val191Ile (NM_001351514.2); c.496G>A, p.Val166Ile (NM_001351515.2); and 1 more; short protein forms V127I, V166I, V191I, V219I, V221I, V230I, V256I, V258I.
Identifiers: ClinVar variation 3897042 (VCV003897042.1).